The following is an entry in ClinVar:

NM_006514.4(SCN10A):c.1274T>G (p.Leu425Arg)

Gene: SCN10A (sodium voltage-gated channel alpha subunit 10; minus strand). Cytogenetic location: 3p22.2.
Variant type: single nucleotide variant.
Coding change: c.1274T>G on transcript NM_006514.4 (MANE Select); coding-DNA position 1274, T replaced by G.
Protein change: p.Leu425Arg; replaces leucine 425 with arginine.
Molecular consequence: missense variant.
Genome position (GRCh38, 1-based): chr3:38,756,690, A>C on the plus strand (T>G on the coding strand, the complement: SCN10A is on the minus strand). VCF-style: chr3-38756690-A-C. GRCh37 (hg19) VCF-style: chr3-38798181-A-C.
Other names: c.1274T>G, p.Leu425Arg (NM_001293306.2, NM_001293307.2); short protein forms L425R.
Identifiers: ClinVar variation 5029079 (VCV005029079.1).

ClinVar aggregate classification (germline): Uncertain significance (1 of 4 stars; one submission).

Conditions:
Cardiovascular phenotype. Identifiers: MedGen CN230736.

Submission:

Ambry Genetics
Classification: Uncertain significance for Cardiovascular phenotype. Last evaluated: 2026-07-09. Review status: criteria provided, single submitter. Criteria: Ambry Variant Classification Scheme 2023. Collection method: clinical testing. Allele origin: germline.
Comment: The p.L425R variant (also known as c.1274T>G), located in coding exon 9 of the SCN10A gene, results from a T to G substitution at nucleotide position 1274. The leucine at codon 425 is replaced by arginine, an amino acid with dissimilar properties. This amino acid position is conserved. In addition, this alteration is predicted to be deleterious by in silico analysis. Based on the available evidence, the clinical significance of this variant remains unclear.